The following is an entry in ClinVar:

NM_000268.4(NF2):c.844G>A (p.Val282Ile)

Gene: NF2 (NF2, moesin-ezrin-radixin like (MERLIN) tumor suppressor; plus strand). Cytogenetic location: 22q12.2.
Variant type: single nucleotide variant.
Coding change: c.844G>A on transcript NM_000268.4 (MANE Select); coding-DNA position 844, G replaced by A.
Protein change: p.Val282Ile; replaces valine 282 with isoleucine.
Molecular consequence: missense variant. On other transcripts: non-coding transcript variant (1), intron variant (1).
Genome position (GRCh38, 1-based): chr22:29,665,023, G>A. VCF-style: chr22-29665023-G-A. GRCh37 (hg19) VCF-style: chr22-30061012-G-A.
Other names: c.730G>A, p.Val244Ile (NM_001407053.1, NM_001407056.1); c.721G>A, p.Val241Ile (NM_001407054.1, NM_001407058.1, NM_181829.3); c.718G>A, p.Val240Ile (NM_001407055.1, NM_181828.3); c.709G>A, p.Val237Ile (NM_001407057.1, NM_001407059.1); c.844G>A, p.Val282Ile (NM_001407060.1, NM_001407066.1, NM_016418.5 and 2 more transcripts); c.586G>A, p.Val196Ile (NM_001407062.1); c.595G>A, p.Val199Ile (NM_001407063.1, NM_001407064.1, NM_181830.3 and 1 more transcripts); c.310G>A, p.Val104Ile (NM_001407065.1); and 2 more; short protein forms V196I, V241I, V282I, V237I, V240I, V199I, V244I, V104I.
Identifiers: ClinVar variation 3404964 (VCV003404964.1).
Genomic context (GRCh38, chr22:29,665,023, plus strand): 5'-AAACTGTGTTCTGCTTCATTCTTCCAGTTTACTATTAAACCACTGGATAAGAAAATTGAT[G>A]TCTTCAAGTTTAACTCCTCAAAGCTTCGTGTTAATAAGCTGGTAAGTTGAGATCCTGGTT-3'
Protein context (NP_000259.1, residues 272-292): TIKPLDKKID[Val282Ile]FKFNSSKLRV

ClinVar aggregate classification (germline): Uncertain significance (1 of 4 stars; one submission).

Conditions:
Hereditary cancer-predisposing syndrome. Also called: Hereditary Cancer Syndrome; Tumor predisposition; Hereditary neoplastic syndrome; Neoplastic Syndromes, Hereditary. Identifiers: Orphanet 140162, MedGen C0027672, MeSH D009386, MONDO:0015356.

Submission:

Ambry Genetics
Classification: Uncertain significance for Hereditary cancer-predisposing syndrome. Last evaluated: 2024-09-16. Review status: criteria provided, single submitter. Criteria: Ambry Variant Classification Scheme 2023. Collection method: clinical testing. Allele origin: germline.
Comment: The p.V282I variant (also known as c.844G>A), located in coding exon 9 of the NF2 gene, results from a G to A substitution at nucleotide position 844. The valine at codon 282 is replaced by isoleucine, an amino acid with highly similar properties. This amino acid position is conserved. In addition, the in silico prediction for this alteration is inconclusive. Based on the available evidence, the clinical significance of this variant remains unclear.